The following is an entry in ClinVar:

ClinVar aggregate classification (germline): Uncertain significance (1 of 4 stars; one submission).

Conditions:
Neurofibromatosis, type 1 (NF1). Also called: VON RECKLINGHAUSEN DISEASE; Neurofibromatosis, type I; Peripheral type neurofibromatosis; NEUROFIBROMATOSIS, TYPE I, SOMATIC. Identifiers: Orphanet 636, MedGen C0027831, MONDO:0018975, OMIM 162200. Disease mechanism: loss of function.

Submission:

Labcorp Genetics (formerly Invitae), Labcorp
Classification: Uncertain significance for Neurofibromatosis, type 1. Last evaluated: 2024-04-22. Review status: criteria provided, single submitter. Criteria: Invitae Variant Classification Sherloc (09022015). Collection method: clinical testing. Allele origin: germline.
Comment: This variant, c.4455_4481dup, results in the insertion of 9 amino acid(s) of the NF1 protein (p.Asn1493_Gln1494ins9), but otherwise preserves the integrity of the reading frame. This variant is not present in population databases (gnomAD no frequency). This variant has not been reported in the literature in individuals affected with NF1-related conditions. RNA analysis provides insufficient evidence to determine the effect of this variant on NF1 splicing (Invitae). In summary, the available evidence is currently insufficient to determine the role of this variant in disease. Therefore, it has been classified as a Variant of Uncertain Significance.

NM_001042492.3(NF1):c.4518_4544dup (p.Asn1514_Gln1515insHisLeuHisArgLeuLeuTrpAsnAsn)

Gene: NF1 (neurofibromin 1; plus strand). Cytogenetic location: 17q11.2.
Variant type: Duplication.
Coding change: c.4518_4544dup on transcript NM_001042492.3 (MANE Select); coding-DNA positions 4518 to 4544, 27 bases duplicated (TTTACATCGTCTACTCTGGAACAATCA).
Protein change: p.Asn1514_Gln1515insHisLeuHisArgLeuLeuTrpAsnAsn.
Molecular consequence: inframe insertion. On other transcripts: inframe indel (1).
Genome position (GRCh38, 1-based): chr17:31,260,456-31,260,482, TTTACATCGTCTACTCTGGAACAATCA duplicated. VCF-style (leftmost placement, unchanged base first): chr17-31260455-C-CTTTACATCGTCTACTCTGGAACAATCA. GRCh37 (hg19) VCF-style: chr17-29587473-C-CTTTACATCGTCTACTCTGGAACAATCA.
Other names: c.4455_4481dup, p.Asn1493_Gln1494insHisLeuHisArgLeuLeuTrpAsnAsn (NM_000267.4).
Identifiers: ClinVar variation 2857710 (VCV002857710.3), dbSNP rs2508421546, ClinGen allele CA2739267402.